The following is an entry in ClinVar:

NM_001365693.1(MGAM):c.6083A>G (p.Tyr2028Cys)

Gene: MGAM (maltase-glucoamylase; plus strand). Cytogenetic location: 7q34.
Variant type: single nucleotide variant.
Coding change: c.6083A>G on transcript NM_001365693.1 (MANE Select); coding-DNA position 6083, A replaced by G.
Protein change: p.Tyr2028Cys; replaces tyrosine 2028 with cysteine.
Molecular consequence: missense variant. On other transcripts: intron variant (1).
Genome position (GRCh38, 1-based): chr7:142,082,122, A>G. VCF-style: chr7-142082122-A-G. GRCh37 (hg19) VCF-style: chr7-141781922-A-G.
Other names: c.4619-12498A>G (NM_004668.3); short protein forms Y2028C.
Identifiers: ClinVar variation 2658104 (VCV002658104.24), dbSNP rs200643345, ClinGen allele CA168436233.

ClinVar aggregate classification (germline): Likely benign (1 of 4 stars; one submission).

Allele frequency attached by ClinVar (database versions not stated): 1000 Genomes Project 30x 0.00031; 1000 Genomes Project 0.00040; gnomAD exomes 0.00050; gnomAD 0.00060; ExAC 0.00079.
gnomAD v4.1: 839 of 1,555,360 alleles (0.054%); highest among the groups gnomAD compares: Admixed American, 0.038%; 123 homozygotes.

Submission:

CeGaT Center for Human Genetics Tuebingen
Classification: Likely benign. Last evaluated: 2023-03-01. Review status: criteria provided, single submitter. Criteria: CeGaT Center For Human Genetics Tuebingen Variant Classification Criteria Version 2. Collection method: clinical testing. Allele origin: germline. Affected: yes. Observed: 1 variant allele.
Comment: MGAM: BP4, BS2